The following is an entry in ClinVar:

ClinVar aggregate classification (germline): Uncertain significance (1 of 4 stars; one submission).

Allele frequency attached by ClinVar (database versions not stated): gnomAD exomes below 0.00001; TOPMed below 0.00001.
gnomAD v4.1: 3 of 1,612,366 alleles (0.00019%); highest among the groups gnomAD compares: East Asian, 0.0022%; no homozygotes.

Submission:

Labcorp Genetics (formerly Invitae), Labcorp
Classification: Uncertain significance. Last evaluated: 2024-05-21. Review status: criteria provided, single submitter. Criteria: Invitae Variant Classification Sherloc (09022015). Collection method: clinical testing. Allele origin: germline.
Comment: This sequence change replaces arginine, which is basic and polar, with tryptophan, which is neutral and slightly polar, at codon 252 of the ITM2B protein (p.Arg252Trp). This variant is not present in population databases (gnomAD no frequency). This variant has not been reported in the literature in individuals affected with ITM2B-related conditions. ClinVar contains an entry for this variant (Variation ID: 2421538). Advanced modeling of protein sequence and biophysical properties (such as structural, functional, and spatial information, amino acid conservation, physicochemical variation, residue mobility, and thermodynamic stability) performed at Invitae indicates that this missense variant is expected to disrupt ITM2B protein function with a positive predictive value of 80%. In summary, the available evidence is currently insufficient to determine the role of this variant in disease. Therefore, it has been classified as a Variant of Uncertain Significance.

NM_021999.5(ITM2B):c.754C>T (p.Arg252Trp)

Gene: ITM2B (integral membrane protein 2B; plus strand). Cytogenetic location: 13q14.2.
Variant type: single nucleotide variant.
Coding change: c.754C>T on transcript NM_021999.5 (MANE Select); coding-DNA position 754, C replaced by T.
Protein change: p.Arg252Trp; replaces arginine 252 with tryptophan.
Molecular consequence: missense variant.
Genome position (GRCh38, 1-based): chr13:48,261,177, C>T. VCF-style: chr13-48261177-C-T. GRCh37 (hg19) VCF-style: chr13-48835313-C-T.
Other names: short protein forms R252W.
Identifiers: ClinVar variation 2421538 (VCV002421538.6), dbSNP rs1951820083, ClinGen allele CA388252194.
Genomic context (GRCh38, chr13:48,261,177, plus strand): 5'-AACTTTTTTCCCTCTCCAACAGGTATTCAGAAACGTGAAGCCAGCAATTGTTTCGCAATT[C>T]GGCATTTTGAAAACAAATTTGCCGTGGAAACTTTAATTTGTTCTTGAACAGTCAAGAAAA-3'
Protein context (NP_068839.1, residues 242-262): KREASNCFAI[Arg252Trp]HFENKFAVET